The following is an entry in ClinVar:

NM_152443.3(RDH12):c.91T>C (p.Cys31Arg)

Genes: RDH12 (retinol dehydrogenase 12; plus strand), GPHN (gephyrin; plus strand). Cytogenetic location: 14q24.1.
Variant type: single nucleotide variant.
Coding change: c.91T>C on transcript NM_152443.3 (MANE Select); coding-DNA position 91, T replaced by C.
Protein change: p.Cys31Arg; replaces cysteine 31 with arginine.
Molecular consequence: missense variant.
Genome position (GRCh38, 1-based): chr14:67,724,495, T>C. VCF-style: chr14-67724495-T-C. GRCh37 (hg19) VCF-style: chr14-68191212-T-C.
Other names: c.91T>C (NM_152443.2); short protein forms C31R.
Identifiers: ClinVar variation 3632110 (VCV003632110.4).
Genomic context (GRCh38, chr14:67,724,495, plus strand): 5'-AGGATGGTACGTGATGCTCTTGTTTCCCTTGCCGATAGGAAGTTCTTTGCTGGTGGAGTG[T>C]GTAGAACAAATGTGCAGCTTCCTGGCAAGGTAGTGGTGATCACTGGCGCCAACACGGGCA-3'
Protein context (NP_689656.2, residues 21-41): SIRKFFAGGV[Cys31Arg]RTNVQLPGKV

ClinVar aggregate classification (germline): Uncertain significance. Review status: criteria provided, multiple submitters, no conflicts (2 of 4 stars). 3 submissions from 3 submitters: Uncertain significance (3). Last evaluated 2026-08-19.

Conditions:
Leber congenital amaurosis 13 (LCA13). Identifiers: MedGen C2675186, MONDO:0012990, OMIM 612712.
RDH12-related disorder. Also called: RDH12-related disorders; RDH12-related condition.

gnomAD v4.1: 9 of 1,613,252 alleles (0.00056%); highest among the groups gnomAD compares: South Asian, 0.0044%; no homozygotes.

Submissions (3):

PreventionGenetics, part of Exact Sciences
Classification: Uncertain significance for RDH12-related condition. Last evaluated: 2026-08-19. Review status: criteria provided, single submitter. Criteria: ACMG Guidelines, 2015. Collection method: clinical testing. Allele origin: germline.
Comment: The RDH12 c.91T>C variant is predicted to result in the amino acid substitution p.Cys31Arg. To our knowledge, this variant has not been reported in the literature. This variant is reported in 0.0029% of alleles in individuals of Latino descent in gnomAD. At this time, the clinical significance of this variant is uncertain due to the absence of conclusive functional and genetic evidence.

Labcorp Genetics (formerly Invitae), Labcorp
Classification: Uncertain significance for Leber congenital amaurosis 13. Last evaluated: 2025-06-03. Review status: criteria provided, single submitter. Criteria: Invitae Variant Classification Sherloc (09022015). Collection method: clinical testing. Allele origin: germline.
Comment: This sequence change replaces cysteine, which is neutral and slightly polar, with arginine, which is basic and polar, at codon 31 of the RDH12 protein (p.Cys31Arg). This variant is present in population databases (no rsID available, gnomAD 0.003%). This variant has not been reported in the literature in individuals affected with RDH12-related conditions. ClinVar contains an entry for this variant (Variation ID: 3632110). An algorithm developed to predict the effect of missense changes on protein structure and function (PolyPhen-2) suggests that this variant is likely to be disruptive. In summary, the available evidence is currently insufficient to determine the role of this variant in disease. Therefore, it has been classified as a Variant of Uncertain Significance.

Blueprint Genetics
Classification: Uncertain significance. Last evaluated: 2021-03-17. Review status: criteria provided, single submitter. Criteria: ACMG Guidelines, 2015. Collection method: clinical testing. Allele origin: germline.